The following is an entry in ClinVar:

NM_021072.4(HCN1):c.2653C>G (p.Arg885Gly)

Gene: HCN1 (hyperpolarization activated cyclic nucleotide gated potassium channel 1; minus strand). Cytogenetic location: 5p12.
Variant type: single nucleotide variant.
Coding change: c.2653C>G on transcript NM_021072.4 (MANE Select); coding-DNA position 2653, C replaced by G.
Protein change: p.Arg885Gly; replaces arginine 885 with glycine.
Molecular consequence: missense variant.
Genome position (GRCh38, 1-based): chr5:45,261,941, G>C on the plus strand (C>G on the coding strand, the complement: HCN1 is on the minus strand). VCF-style: chr5-45261941-G-C. GRCh37 (hg19) VCF-style: chr5-45262043-G-C.
Other names: short protein forms R885G.
Identifiers: ClinVar variation 3369711 (VCV003369711.1).

ClinVar aggregate classification (germline): Uncertain significance (1 of 4 stars; one submission).

Submission:

GeneDx
Classification: Uncertain significance. Last evaluated: 2024-03-08. Review status: criteria provided, single submitter. Criteria: GeneDx Variant Classification Process June 2021. Collection method: clinical testing. Allele origin: germline. Affected: yes.
Comment: Not observed at significant frequency in large population cohorts (gnomAD); In silico analysis supports that this missense variant does not alter protein structure/function; Has not been previously published as pathogenic or benign to our knowledge